The following is an entry in ClinVar:

NM_002693.3(POLG):c.2058_2060del (p.Ile687del)

Gene: POLG (DNA polymerase gamma, catalytic subunit; minus strand). Cytogenetic location: 15q26.1.
Variant type: Deletion.
Coding change: c.2058_2060del on transcript NM_002693.3 (MANE Select); coding-DNA positions 2058 to 2060, 3 bases deleted (CAT; older notation c.2058_2060delCAT).
Protein change: p.Ile687del; deletes isoleucine 687.
Genome position (GRCh38, 1-based): chr15:89,324,117-89,324,119, ATG deleted on the plus strand (CAT on the coding strand, the reverse complement: POLG is on the minus strand). VCF-style (leftmost placement, unchanged base first): chr15-89324116-TATG-T. GRCh37 (hg19) VCF-style: chr15-89867347-TATG-T.
Other names: c.2058_2060del, p.Ile687del (NM_001126131.2); short protein forms I687del.
Identifiers: ClinVar variation 4769257 (VCV004769257.1).

ClinVar aggregate classification (germline): Uncertain significance (1 of 4 stars; one submission).

Conditions:
Progressive sclerosing poliodystrophy (MTDPS4A). Also called: Mitochondrial DNA depletion syndrome 4A (Alpers type); ALPERS DIFFUSE DEGENERATION OF CEREBRAL GRAY MATTER WITH HEPATIC CIRRHOSIS; Alpers-Huttenlocher Syndrome; Mitochondrial DNA Depletion Syndrome 4A; Alpers-Huttenlocher Syndrome (AHS); ALPERS PROGRESSIVE INFANTILE POLIODYSTROPHY. Identifiers: Orphanet 726, MedGen C0205710, MONDO:0008758, OMIM 203700.

Submission:

Labcorp Genetics (formerly Invitae), Labcorp
Classification: Uncertain significance for Progressive sclerosing poliodystrophy. Last evaluated: 2025-06-10. Review status: criteria provided, single submitter. Criteria: Invitae Variant Classification Sherloc (09022015). Collection method: clinical testing. Allele origin: germline.
Comment: This variant, c.2058_2060del, results in the deletion of 1 amino acid(s) of the POLG protein (p.Ile687del), but otherwise preserves the integrity of the reading frame. This variant is present in population databases (rs754116359, gnomAD 0.03%). This variant has not been reported in the literature in individuals affected with POLG-related conditions. Experimental studies and prediction algorithms are not available or were not evaluated, and the functional significance of this variant is currently unknown. In summary, the available evidence is currently insufficient to determine the role of this variant in disease. Therefore, it has been classified as a Variant of Uncertain Significance.